The following is an entry in ClinVar:

ClinVar aggregate classification (germline): Uncertain significance (1 of 4 stars; one submission).

Conditions:
Gastrointestinal stromal tumor. Also called: Gastrointestinal stroma tumor; Gastrointestinal stromal tumor, somatic. Identifiers: Orphanet 44890, MedGen C0238198, MeSH D046152, MONDO:0011719, OMIM 606764, HP:0100723.

Submission:

Labcorp Genetics (formerly Invitae), Labcorp
Classification: Uncertain significance for Gastrointestinal stromal tumor. Last evaluated: 2021-12-05. Review status: criteria provided, single submitter. Criteria: Invitae Variant Classification Sherloc (09022015). Collection method: clinical testing. Allele origin: germline.
Comment: In summary, the available evidence is currently insufficient to determine the role of this variant in disease. Therefore, it has been classified as a Variant of Uncertain Significance. Algorithms developed to predict the effect of missense changes on protein structure and function are either unavailable or do not agree on the potential impact of this missense change (SIFT: "Tolerated"; PolyPhen-2: "Probably Damaging"; Align-GVGD: "Class C0"). This variant has not been reported in the literature in individuals affected with PDGFRA-related conditions. This variant is not present in population databases (gnomAD no frequency). This sequence change replaces proline, which is neutral and non-polar, with serine, which is neutral and polar, at codon 567 of the PDGFRA protein (p.Pro567Ser).

NM_006206.6(PDGFRA):c.1699C>T (p.Pro567Ser)

Gene: PDGFRA (platelet derived growth factor receptor alpha; plus strand). Cytogenetic location: 4q12.
Variant type: single nucleotide variant.
Coding change: c.1699C>T on transcript NM_006206.6 (MANE Select); coding-DNA position 1699, C replaced by T.
Protein change: p.Pro567Ser; replaces proline 567 with serine.
Molecular consequence: missense variant.
Genome position (GRCh38, 1-based): chr4:54,274,886, C>T. VCF-style: chr4-54274886-C-T. GRCh37 (hg19) VCF-style: chr4-55141053-C-T.
Other names: c.1699C>T, p.Pro567Ser (NM_001347827.2, NM_001347829.2); c.1774C>T, p.Pro592Ser (NM_001347828.2); c.1738C>T, p.Pro580Ser (NM_001347830.2); short protein forms P567S, P580S, P592S.
Identifiers: ClinVar variation 1442061 (VCV001442061.6), dbSNP rs2110299759, ClinGen allele CA356893116.